The following is an entry in ClinVar:

ClinVar aggregate classification (germline): Uncertain significance (1 of 4 stars; one submission).

Submission:

CeGaT Center for Human Genetics Tuebingen
Classification: Uncertain significance. Last evaluated: 2025-04-01. Review status: criteria provided, single submitter. Criteria: CeGaT Center For Human Genetics Tuebingen Variant Classification Criteria Version 2. Collection method: clinical testing. Allele origin: germline. Affected: yes. Observed: 1 variant allele.
Comment: DEPDC5: PM2

NM_001242896.3(DEPDC5):c.4138C>A (p.Leu1380Met)

Gene: DEPDC5 (DEP domain containing 5, GATOR1 subcomplex subunit; plus strand). Cytogenetic location: 22q12.3.
Variant type: single nucleotide variant.
Coding change: c.4138C>A on transcript NM_001242896.3 (MANE Select); coding-DNA position 4138, C replaced by A.
Protein change: p.Leu1380Met; replaces leucine 1380 with methionine.
Molecular consequence: missense variant. On other transcripts: non-coding transcript variant (5).
Genome position (GRCh38, 1-based): chr22:31,893,686, C>A. VCF-style: chr22-31893686-C-A. GRCh37 (hg19) VCF-style: chr22-32289672-C-A.
Other names: c.4111C>A, p.Leu1371Met (NM_001136029.4); c.3838C>A, p.Leu1280Met (NM_001242897.2); c.4072C>A, p.Leu1358Met (NM_001363852.2, NM_001364320.2); c.3904C>A, p.Leu1302Met (NM_001363854.2, NM_001364319.2); c.4138C>A, p.Leu1380Met (NM_001364318.2); c.4054C>A, p.Leu1352Met (NM_001369901.1, NM_001369902.1); c.4045C>A, p.Leu1349Met (NM_001369903.1, NM_014662.6); short protein forms L1280M, L1302M, L1349M, L1352M, L1358M, L1371M, L1380M.
Identifiers: ClinVar variation 3898650 (VCV003898650.7).